The following is an entry in ClinVar:

NM_001042492.3(NF1):c.6264G>A (p.Leu2088=)

Gene: NF1 (neurofibromin 1; plus strand). Cytogenetic location: 17q11.2.
Variant type: single nucleotide variant.
Coding change: c.6264G>A on transcript NM_001042492.3 (MANE Select); coding-DNA position 6264, G replaced by A.
Protein change: p.Leu2088=; no amino-acid change (leucine 2088 retained).
Molecular consequence: synonymous variant.
Genome position (GRCh38, 1-based): chr17:31,336,751, G>A. VCF-style: chr17-31336751-G-A. GRCh37 (hg19) VCF-style: chr17-29663769-G-A.
Other names: c.6201G>A, p.Leu2067= (NM_000267.4).
Identifiers: ClinVar variation 185551 (VCV000185551.17), dbSNP rs762751192, ClinGen allele CA192254.

ClinVar aggregate classification (germline): Benign/Likely benign. Review status: criteria provided, multiple submitters, no conflicts (2 of 4 stars). 6 submissions from 6 submitters: Benign (1); Likely benign (5). Last evaluated 2026-05-21.

Conditions:
Hereditary cancer-predisposing syndrome. Also called: Tumor predisposition; Hereditary neoplastic syndrome; Neoplastic Syndromes, Hereditary; Hereditary Cancer Syndrome. Identifiers: Orphanet 140162, MedGen C0027672, MeSH D009386, MONDO:0015356.
Neurofibromatosis, type 1 (NF1). Also called: Neurofibromatosis, type I; NEUROFIBROMATOSIS, TYPE I, SOMATIC; VON RECKLINGHAUSEN DISEASE; Peripheral type neurofibromatosis. Identifiers: Orphanet 636, MedGen C0027831, MONDO:0018975, OMIM 162200. Disease mechanism: loss of function.

Allele frequency attached by ClinVar (database versions not stated): gnomAD 0.00002 and 0.00003; ExAC 0.00001; TOPMed 0.00002; gnomAD exomes 0.00002.
gnomAD v4.1: 11 of 1,613,962 alleles (0.00068%); highest among the groups gnomAD compares: Middle Eastern, 0.016%; no homozygotes.

Submissions (6):

Myriad Genetics, Inc.
Classification: Benign for Neurofibromatosis, type 1. Last evaluated: 2026-05-21. Review status: criteria provided, single submitter. Criteria: Myriad Autosomal Dominant, Autosomal Recessive and X-Linked Classification Criteria (2023). Collection method: clinical testing. Allele origin: unknown.
Comment: This variant is considered benign. This variant is a silent/synonymous amino acid change and it is not expected to impact splicing.

Labcorp Genetics (formerly Invitae), Labcorp
Classification: Likely benign for Neurofibromatosis, type 1. Last evaluated: 2025-12-24. Review status: criteria provided, single submitter. Criteria: Invitae Variant Classification Sherloc (09022015). Collection method: clinical testing. Allele origin: germline.

Genome-Nilou Lab
Classification: Likely benign for Neurofibromatosis, type 1. Last evaluated: 2022-03-15. Review status: criteria provided, single submitter. Criteria: ACMG Guidelines, 2015. Collection method: clinical testing. Allele origin: germline. Affected: no.

Sema4
Classification: Likely benign for Hereditary cancer-predisposing syndrome. Last evaluated: 2021-09-15. Review status: criteria provided, single submitter. Criteria: Sema4 Curation Guidelines. Collection method: curation. Allele origin: germline.

GeneDx
Classification: Likely benign. Last evaluated: 2019-05-31. Review status: criteria provided, single submitter. Criteria: GeneDx Variant Classification Process June 2021. Collection method: clinical testing. Allele origin: germline. Affected: yes.

Ambry Genetics
Classification: Likely benign for Hereditary cancer-predisposing syndrome. Last evaluated: 2014-08-05. Review status: criteria provided, single submitter. Criteria: Ambry Autosomal Dominant and X-Linked criteria (10/2015). Collection method: clinical testing. Allele origin: germline. Observed: 1 variant allele.